The following is an entry in ClinVar:

NM_000417.3(IL2RA):c.115A>G (p.Met39Val)

Gene: IL2RA (interleukin 2 receptor subunit alpha; minus strand). Cytogenetic location: 10p15.1.
Variant type: single nucleotide variant.
Coding change: c.115A>G on transcript NM_000417.3 (MANE Select); coding-DNA position 115, A replaced by G.
Protein change: p.Met39Val; replaces methionine 39 with valine.
Molecular consequence: missense variant.
Genome position (GRCh38, 1-based): chr10:6,025,975, T>C on the plus strand (A>G on the coding strand, the complement: IL2RA is on the minus strand). VCF-style: chr10-6025975-T-C. GRCh37 (hg19) VCF-style: chr10-6067938-T-C.
Other names: c.115A>G, p.Met39Val (NM_001308242.2, NM_001308243.2); short protein forms M39V.
Identifiers: ClinVar variation 3686255 (VCV003686255.2).

ClinVar aggregate classification (germline): Uncertain significance (1 of 4 stars; one submission).

Conditions:
Immunodeficiency due to CD25 deficiency. Also called: IL2RA DEFICIENCY; IMMUNODEFICIENCY 41 WITH LYMPHOPROLIFERATION AND AUTOIMMUNITY; CD25 DEFICIENCY. Identifiers: Orphanet 169100, MedGen C1853392, MONDO:0011664, OMIM 606367.

gnomAD v4.1: 2 of 1,614,020 alleles (0.00012%); highest among the groups gnomAD compares: Non-Finnish European, 0.00017%; no homozygotes.

Submission:

Labcorp Genetics (formerly Invitae), Labcorp
Classification: Uncertain significance for Immunodeficiency due to CD25 deficiency. Last evaluated: 2024-12-24. Review status: criteria provided, single submitter. Criteria: Invitae Variant Classification Sherloc (09022015). Collection method: clinical testing. Allele origin: germline.
Comment: This sequence change replaces methionine, which is neutral and non-polar, with valine, which is neutral and non-polar, at codon 39 of the IL2RA protein (p.Met39Val). This variant is not present in population databases (gnomAD no frequency). This variant has not been reported in the literature in individuals affected with IL2RA-related conditions. Invitae Evidence Modeling of protein sequence and biophysical properties (such as structural, functional, and spatial information, amino acid conservation, physicochemical variation, residue mobility, and thermodynamic stability) indicates that this missense variant is not expected to disrupt IL2RA protein function with a negative predictive value of 80%. In summary, the available evidence is currently insufficient to determine the role of this variant in disease. Therefore, it has been classified as a Variant of Uncertain Significance.